The following is an entry in ClinVar:

NM_005529.7(HSPG2):c.20G>A (p.Gly7Asp)

Gene: HSPG2 (heparan sulfate proteoglycan 2; minus strand). Cytogenetic location: 1p36.12.
Variant type: single nucleotide variant.
Coding change: c.20G>A on transcript NM_005529.7 (MANE Select); coding-DNA position 20, G replaced by A.
Protein change: p.Gly7Asp; replaces glycine 7 with aspartic acid.
Molecular consequence: missense variant.
Genome position (GRCh38, 1-based): chr1:21,937,198, C>T on the plus strand (G>A on the coding strand, the complement: HSPG2 is on the minus strand). VCF-style: chr1-21937198-C-T. GRCh37 (hg19) VCF-style: chr1-22263691-C-T.
Other names: c.20G>A (NM_005529.5); c.20G>A, p.Gly7Asp (NM_001291860.2); short protein forms G7D.
Identifiers: ClinVar variation 1953861 (VCV001953861.6), dbSNP rs2152809591, ClinGen allele CA338910046.
Genomic context (GRCh38, chr1:21,937,198, plus strand): 5'-CTGCCCCGCACACTCACCGCCAGCAGCCGCCCGTGCAGCAGCAGCGCCAGCAGCAGCGCG[C>T]CCGCCGCCCGCCACCCCATGGCCCGGCCCGCGCCGCTCTCTCGCTCGCTCGCTCCGCGCC-3'
Protein context (NP_005520.4, residues 1-17): MGWRAA[Gly7Asp]ALLLALLLHG

ClinVar aggregate classification (germline): Uncertain significance. Review status: criteria provided, multiple submitters, no conflicts (2 of 4 stars). 2 submissions from 2 submitters: Uncertain significance (2). Last evaluated 2024-10-07.

Conditions:
Inborn genetic diseases. Identifiers: MedGen C0950123, MeSH D030342.

gnomAD v4.1: 2 of 1,081,230 alleles (0.00018%); highest among the groups gnomAD compares: South Asian, 0.0026%; no homozygotes.

Submissions (2):

Ambry Genetics
Classification: Uncertain significance for Inborn genetic diseases. Last evaluated: 2024-10-07. Review status: criteria provided, single submitter. Criteria: Ambry Variant Classification Scheme 2023. Collection method: clinical testing. Allele origin: germline.
Comment: The c.20G>A (p.G7D) alteration is located in exon (coding exon ) of the HSPG2 gene. This alteration results from a G to A substitution at nucleotide position 20, causing the glycine (G) at amino acid position 7 to be replaced by an aspartic acid (D). Based on insufficient or conflicting evidence, the clinical significance of this alteration remains unclear.

Labcorp Genetics (formerly Invitae), Labcorp
Classification: Uncertain significance. Last evaluated: 2023-11-27. Review status: criteria provided, single submitter. Criteria: Invitae Variant Classification Sherloc (09022015). Collection method: clinical testing. Allele origin: germline.
Comment: This sequence change replaces glycine, which is neutral and non-polar, with aspartic acid, which is acidic and polar, at codon 7 of the HSPG2 protein (p.Gly7Asp). This variant is not present in population databases (gnomAD no frequency). This variant has not been reported in the literature in individuals affected with HSPG2-related conditions. ClinVar contains an entry for this variant (Variation ID: 1953861). An algorithm developed to predict the effect of missense changes on protein structure and function (PolyPhen-2) suggests that this variant is likely to be disruptive. In summary, the available evidence is currently insufficient to determine the role of this variant in disease. Therefore, it has been classified as a Variant of Uncertain Significance.